The following is an entry in ClinVar:

NM_006017.3(PROM1):c.1150A>G (p.Arg384Gly)

Gene: PROM1 (prominin 1; minus strand). Cytogenetic location: 4p15.32.
Variant type: single nucleotide variant.
Coding change: c.1150A>G on transcript NM_006017.3 (MANE Select); coding-DNA position 1150, A replaced by G.
Protein change: p.Arg384Gly; replaces arginine 384 with glycine.
Molecular consequence: missense variant.
Genome position (GRCh38, 1-based): chr4:16,009,100, T>C on the plus strand (A>G on the coding strand, the complement: PROM1 is on the minus strand). VCF-style: chr4-16009100-T-C. GRCh37 (hg19) VCF-style: chr4-16010723-T-C.
Other names: c.1123A>G, p.Arg375Gly (NM_001145847.2, NM_001145848.2, NM_001145851.2 and 4 more transcripts); c.1150A>G, p.Arg384Gly (NM_001145849.2, NM_001145850.2); short protein forms R384G, R375G.
Identifiers: ClinVar variation 1365673 (VCV001365673.8), dbSNP rs2149250384, ClinGen allele CA356437240.

ClinVar aggregate classification (germline): Uncertain significance (1 of 4 stars; one submission).

gnomAD v4.1: 1 of 1,612,250 alleles (0.000062%); highest among the groups gnomAD compares: Non-Finnish European, 0.000085%; no homozygotes.

Submission:

Labcorp Genetics (formerly Invitae), Labcorp
Classification: Uncertain significance. Last evaluated: 2025-11-03. Review status: criteria provided, single submitter. Criteria: Invitae Variant Classification Sherloc (09022015). Collection method: clinical testing. Allele origin: germline.
Comment: This sequence change replaces arginine, which is basic and polar, with glycine, which is neutral and non-polar, at codon 384 of the PROM1 protein (p.Arg384Gly). This variant is not present in population databases (gnomAD no frequency). This variant has not been reported in the literature in individuals affected with PROM1-related conditions. ClinVar contains an entry for this variant (Variation ID: 1365673). Invitae Evidence Modeling of protein sequence and biophysical properties (such as structural, functional, and spatial information, amino acid conservation, physicochemical variation, residue mobility, and thermodynamic stability) indicates that this missense variant is not expected to disrupt PROM1 protein function with a negative predictive value of 80%. In summary, the available evidence is currently insufficient to determine the role of this variant in disease. Therefore, it has been classified as a Variant of Uncertain Significance.